The following is an entry in ClinVar:

NM_181882.3(PRX):c.-242-208G>A

Gene: PRX (periaxin; minus strand). Cytogenetic location: 19q13.2.
Variant type: single nucleotide variant.
Coding change: c.-242-208G>A on transcript NM_181882.3 (MANE Select); 208 bases into the intron before 242 bases upstream of the start codon, G replaced by A.
Molecular consequence: intron variant.
Genome position (GRCh38, 1-based): chr19:40,408,591, C>T on the plus strand (G>A on the coding strand, the complement: PRX is on the minus strand). VCF-style: chr19-40408591-C-T. GRCh37 (hg19) VCF-style: chr19-40914498-C-T.
Other names: c.-242-208G>A (NM_020956.2).
Identifiers: ClinVar variation 673097 (VCV000673097.1), dbSNP rs77976359, ClinGen allele CA308429988.
Genomic context (GRCh38, chr19:40,408,591, plus strand): 5'-GCTGGACAACACACGGTAAAGCCAAAACTGACTCCGAGGCCTGTCTGGCAGCAGAGCCCC[C>T]GTGCCAAAGATCTTGGCCAACTGAGGGGGCCAAATTCACTAAAAAATAATTGCTATTTGA-3'

ClinVar aggregate classification (germline): Benign (1 of 4 stars; one submission).

Allele frequency attached by ClinVar (database versions not stated): gnomAD 0.04031 and 0.04339; 1000 Genomes Project 0.04193; 1000 Genomes Project 30x 0.04466; TOPMed 0.04495.
gnomAD v4.1: 6,072 of 152,206 alleles (4%); highest among the groups gnomAD compares: African/African-American, 14%; 424 homozygotes.

Submission:

GeneDx
Classification: Benign. Last evaluated: 2018-06-20. Review status: criteria provided, single submitter. Criteria: GeneDx Variant Classification (06012015). Collection method: clinical testing. Allele origin: germline. Affected: yes.
Comment: This variant is considered likely benign or benign based on one or more of the following criteria: it is a conservative change, it occurs at a poorly conserved position in the protein, it is predicted to be benign by multiple in silico algorithms, and/or has population frequency not consistent with disease.